The following is an entry in ClinVar:

NM_006531.5(IFT88):c.573C>G (p.Ile191Met)

Gene: IFT88 (intraflagellar transport 88; plus strand). Cytogenetic location: 13q12.11.
Variant type: single nucleotide variant.
Coding change: c.573C>G on transcript NM_006531.5 (MANE Select); coding-DNA position 573, C replaced by G.
Protein change: p.Ile191Met; replaces isoleucine 191 with methionine.
Molecular consequence: missense variant. On other transcripts: 5 prime UTR variant (1), non-coding transcript variant (5).
Genome position (GRCh38, 1-based): chr13:20,597,098, C>G. VCF-style: chr13-20597098-C-G. GRCh37 (hg19) VCF-style: chr13-21171237-C-G.
Other names: c.516C>G, p.Ile172Met (NM_001318491.2, NM_001353573.2, NM_001353574.2 and 1 more transcripts); c.600C>G, p.Ile200Met (NM_001318493.2, NM_001353565.2, NM_001353566.2 and 6 more transcripts); c.573C>G, p.Ile191Met (NM_001353568.2, NM_001353571.2, NM_001353572.2 and 1 more transcripts); c.-61C>G (NM_001353579.2); short protein forms I172M, I200M, I191M.
Identifiers: ClinVar variation 4737033 (VCV004737033.1).

ClinVar aggregate classification (germline): Uncertain significance (1 of 4 stars; one submission).

Submission:

Labcorp Genetics (formerly Invitae), Labcorp
Classification: Uncertain significance. Last evaluated: 2025-08-18. Review status: criteria provided, single submitter. Criteria: Invitae Variant Classification Sherloc (09022015). Collection method: clinical testing. Allele origin: germline.
Comment: This sequence change replaces isoleucine, which is neutral and non-polar, with methionine, which is neutral and non-polar, at codon 200 of the IFT88 protein (p.Ile200Met). This variant is not present in population databases (gnomAD no frequency). This variant has not been reported in the literature in individuals affected with IFT88-related conditions. An algorithm developed to predict the effect of missense changes on protein structure and function (PolyPhen-2) suggests that this variant is likely to be disruptive. In summary, the available evidence is currently insufficient to determine the role of this variant in disease. Therefore, it has been classified as a Variant of Uncertain Significance.